The following is an entry in ClinVar:

ClinVar aggregate classification (germline): Uncertain significance (1 of 4 stars; one submission).

Conditions:
Pontocerebellar hypoplasia type 1B. Also called: EXOSC3 Pontocerebellar Hypoplasia. Identifiers: Orphanet 2254, MedGen C3553449, MONDO:0013853, OMIM 614678.

Submission:

Labcorp Genetics (formerly Invitae), Labcorp
Classification: Uncertain significance for Pontocerebellar hypoplasia type 1B. Last evaluated: 2022-07-15. Review status: criteria provided, single submitter. Criteria: Invitae Variant Classification Sherloc (09022015). Collection method: clinical testing. Allele origin: germline.
Comment: This variant has not been reported in the literature in individuals affected with EXOSC3-related conditions. This variant is not present in population databases (gnomAD no frequency). This sequence change replaces cysteine, which is neutral and slightly polar, with serine, which is neutral and polar, at codon 74 of the EXOSC3 protein (p.Cys74Ser). Algorithms developed to predict the effect of missense changes on protein structure and function output the following: SIFT: "Tolerated"; PolyPhen-2: "Benign"; Align-GVGD: "Class C0". The serine amino acid residue is found in multiple mammalian species, which suggests that this missense change does not adversely affect protein function. In summary, the available evidence is currently insufficient to determine the role of this variant in disease. Therefore, it has been classified as a Variant of Uncertain Significance.

NM_016042.4(EXOSC3):c.221G>C (p.Cys74Ser)

Gene: EXOSC3 (exosome component 3; minus strand). Cytogenetic location: 9p13.2.
Variant type: single nucleotide variant.
Coding change: c.221G>C on transcript NM_016042.4 (MANE Select); coding-DNA position 221, G replaced by C.
Protein change: p.Cys74Ser; replaces cysteine 74 with serine.
Molecular consequence: missense variant.
Genome position (GRCh38, 1-based): chr9:37,784,824, C>G on the plus strand (G>C on the coding strand, the complement: EXOSC3 is on the minus strand). VCF-style: chr9-37784824-C-G. GRCh37 (hg19) VCF-style: chr9-37784821-C-G.
Other names: c.221G>C, p.Cys74Ser (NM_001002269.2); short protein forms C74S.
Identifiers: ClinVar variation 1713302 (VCV001713302.5), dbSNP rs2489891461, ClinGen allele CA373475822.